The following is an entry in ClinVar:

NM_001853.4(COL9A3):c.505G>A (p.Ala169Thr)

Gene: COL9A3 (collagen type IX alpha 3 chain; plus strand). Cytogenetic location: 20q13.33.
Variant type: single nucleotide variant.
Coding change: c.505G>A on transcript NM_001853.4 (MANE Select); coding-DNA position 505, G replaced by A.
Protein change: p.Ala169Thr; replaces alanine 169 with threonine.
Molecular consequence: missense variant.
Genome position (GRCh38, 1-based): chr20:62,822,618, G>A. VCF-style: chr20-62822618-G-A. GRCh37 (hg19) VCF-style: chr20-61453970-G-A.
Other names: c.505G>A, p.Ala169Thr (LRG_1253t1); short protein forms A169T.
Identifiers: ClinVar variation 387925 (VCV000387925.9), dbSNP rs948698664, ClinGen allele CA9949312.

ClinVar aggregate classification (germline): Uncertain significance. Review status: criteria provided, multiple submitters, no conflicts (2 of 4 stars). 3 submissions from 3 submitters: Uncertain significance (3). Last evaluated 2025-10-06.

Conditions:
Epiphyseal dysplasia, multiple, 3 (EDM3). Also called: COL9A3-Related Multiple Epiphyseal Dysplasia; Epiphyseal dysplasia, multiple, 3, with or without myopathy. Identifiers: MedGen C1832998, MONDO:0010964, OMIM 600969.
Intervertebral disc disorder (IDD). Also called: INTERVERTEBRAL DISC DISEASE; Lumbar disk degenerative disorder. Identifiers: MedGen C0158252, MONDO:0044339, OMIM 603932.

Allele frequency attached by ClinVar (database versions not stated): gnomAD exomes 0.00001; ExAC 0.00002; TOPMed 0.00004.
gnomAD v4.1: 22 of 1,612,346 alleles (0.0014%); highest among the groups gnomAD compares: African/African-American, 0.0093%; no homozygotes.

Submissions (3):

Labcorp Genetics (formerly Invitae), Labcorp
Classification: Uncertain significance. Last evaluated: 2025-10-06. Review status: criteria provided, single submitter. Criteria: Invitae Variant Classification Sherloc (09022015). Collection method: clinical testing. Allele origin: germline.
Comment: This sequence change replaces alanine, which is neutral and non-polar, with threonine, which is neutral and polar, at codon 169 of the COL9A3 protein (p.Ala169Thr). This variant is present in population databases (no rsID available, gnomAD 0.02%). This variant has not been reported in the literature in individuals affected with COL9A3-related conditions. ClinVar contains an entry for this variant (Variation ID: 387925). Invitae Evidence Modeling of protein sequence and biophysical properties (such as structural, functional, and spatial information, amino acid conservation, physicochemical variation, residue mobility, and thermodynamic stability) indicates that this missense variant is not expected to disrupt COL9A3 protein function with a negative predictive value of 95%. In summary, the available evidence is currently insufficient to determine the role of this variant in disease. Therefore, it has been classified as a Variant of Uncertain Significance.

Fulgent Genetics
Classification: Uncertain significance for Epiphyseal dysplasia, multiple, 3; Intervertebral disc disorder. Last evaluated: 2018-10-31. Review status: criteria provided, single submitter. Criteria: ACMG Guidelines, 2015. Collection method: clinical testing. Allele origin: unknown.

GeneDx
Classification: Uncertain significance. Last evaluated: 2016-07-29. Review status: criteria provided, single submitter. Criteria: GeneDx Variant Classification (06012015). Collection method: clinical testing. Allele origin: germline. Affected: yes.
Comment: The A169T variant in the COL9A3 gene has not been reported previously as a pathogenic variant, nor as a benign variant, to our knowledge. The A169T variant was not observed in approximately 6,500 individuals of European and African American ancestry in the NHLBI Exome Sequencing Project, indicating it is not a common benign variant in these populations. The A169T variant is a non-conservative amino acid substitution, which is likely to impact secondary protein structure as these residues differ in polarity, charge, size and/or other properties. However, this substitution occurs at a position that is not conserved, and in silico analysis is inconsistent in its predictions as to whether or not the variant is damaging to the protein structure/function. We interpret A169T as a variant of uncertain significance.